The following is an entry in ClinVar:

ClinVar aggregate classification (germline): Uncertain significance (1 of 4 stars; one submission).

Submission:

Labcorp Genetics (formerly Invitae), Labcorp
Classification: Uncertain significance. Last evaluated: 2023-12-02. Review status: criteria provided, single submitter. Criteria: Invitae Variant Classification Sherloc (09022015). Collection method: clinical testing. Allele origin: germline.
Comment: This variant, c.226_228del, results in the deletion of 1 amino acid(s) of the DDX3X protein (p.Ser76del), but otherwise preserves the integrity of the reading frame. This variant is present in population databases (rs762825048, gnomAD 0.002%), including at least one homozygous and/or hemizygous individual. This variant has been observed in individual(s) with clinical features of DDX3X-related conditions (Invitae). Experimental studies and prediction algorithms are not available or were not evaluated, and the functional significance of this variant is currently unknown. In summary, the available evidence is currently insufficient to determine the role of this variant in disease. Therefore, it has been classified as a Variant of Uncertain Significance.

NM_001356.5(DDX3X):c.226_228del (p.Ser76del)

Gene: DDX3X (DEAD-box helicase 3 X-linked; plus strand). Cytogenetic location: Xp11.4.
Variant type: Deletion.
Coding change: c.226_228del on transcript NM_001356.5 (MANE Select); coding-DNA positions 226 to 228, 3 bases deleted (AGT; older notation c.226_228delAGT).
Protein change: p.Ser76del; deletes serine 76.
Molecular consequence: inframe deletion. On other transcripts: 5 prime UTR variant (1), non-coding transcript variant (1).
Genome position (GRCh38, 1-based): chrX:41,341,558-41,341,560, AGT deleted; deleting any 3 consecutive bases within chrX:41,341,556-41,341,560 gives the same sequence; the c. name uses the placement nearest the transcript's 3' end. VCF-style (leftmost placement, unchanged base first): chrX-41341555-CGTA-C. GRCh37 (hg19) VCF-style: chrX-41200808-CGTA-C.
Other names: c.226_228del, p.Ser76del (NM_001193416.3); c.178_180del, p.Ser60del (NM_001193417.3); c.-333_-331del (NM_001363819.1); short protein forms S60del, S76del.
Identifiers: ClinVar variation 2848358 (VCV002848358.3), dbSNP rs762825048, ClinGen allele CA10389380.